The following is an entry in ClinVar:

NM_001220.5(CAMK2B):c.1876A>G (p.Ile626Val)

Gene: CAMK2B (calcium/calmodulin dependent protein kinase II beta; minus strand). Cytogenetic location: 7p13.
Variant type: single nucleotide variant.
Coding change: c.1876A>G on transcript NM_001220.5 (MANE Select); coding-DNA position 1876, A replaced by G.
Protein change: p.Ile626Val; replaces isoleucine 626 with valine.
Molecular consequence: missense variant.
Genome position (GRCh38, 1-based): chr7:44,220,187, T>C on the plus strand (A>G on the coding strand, the complement: CAMK2B is on the minus strand). VCF-style: chr7-44220187-T-C. GRCh37 (hg19) VCF-style: chr7-44259786-T-C.
Other names: c.1504A>G, p.Ile502Val (NM_001293170.2, NM_172078.3); c.1432A>G, p.Ile478Val (NM_172079.3); c.1429A>G, p.Ile477Val (NM_172080.3); c.1387A>G, p.Ile463Val (NM_172081.3); c.1354A>G, p.Ile452Val (NM_172082.3); c.1315A>G, p.Ile439Val (NM_172083.3); c.1225A>G, p.Ile409Val (NM_172084.3); c.1876A>G (NM_001220.4); short protein forms I409V, I477V, I478V, I439V, I452V, I626V, I502V, I463V.
Identifiers: ClinVar variation 1506732 (VCV001506732.9), dbSNP rs139081314, ClinGen allele CA4240079.

ClinVar aggregate classification (germline): Conflicting classifications of pathogenicity. Review status: criteria provided, conflicting classifications (1 of 4 stars). 3 submissions from 3 submitters: Uncertain significance (2); Likely benign (1). Last evaluated 2026-01-12.

Conditions:
Intellectual disability. Also called: Intellectual functioning disability; Intellectual developmental disorder; intellectual disabilities. Identifiers: MedGen C3714756, MeSH D008607, MONDO:0001071, HP:0001249.
Inborn genetic diseases. Identifiers: MedGen C0950123, MeSH D030342.

Allele frequency attached by ClinVar (database versions not stated): gnomAD exomes 0.00001 and 0.00003; gnomAD 0.00001 and 0.00002; ExAC 0.00002; ESP Exome Variant Server 0.00015; TOPMed 0.00005.
gnomAD v4.1: 45 of 1,612,944 alleles (0.0028%); highest among the groups gnomAD compares: African/African-American, 0.0093%; no homozygotes.

Submissions (3):

Labcorp Genetics (formerly Invitae), Labcorp
Classification: Uncertain significance. Last evaluated: 2026-01-12. Review status: criteria provided, single submitter. Criteria: Invitae Variant Classification Sherloc (09022015). Collection method: clinical testing. Allele origin: germline.
Comment: This sequence change replaces isoleucine, which is neutral and non-polar, with valine, which is neutral and non-polar, at codon 626 of the CAMK2B protein (p.Ile626Val). This variant is present in population databases (rs139081314, gnomAD 0.007%). This variant has not been reported in the literature in individuals affected with CAMK2B-related conditions. ClinVar contains an entry for this variant (Variation ID: 1506732). An algorithm developed to predict the effect of missense changes on protein structure and function (PolyPhen-2) suggests that this variant is likely to be tolerated. In summary, the available evidence is currently insufficient to determine the role of this variant in disease. Therefore, it has been classified as a Variant of Uncertain Significance.

Ambry Genetics
Classification: Likely benign for Inborn genetic diseases. Last evaluated: 2025-08-02. Review status: criteria provided, single submitter. Criteria: Ambry Variant Classification Scheme 2023. Collection method: clinical testing. Allele origin: germline.

Cambridge Genomics Laboratory, East Genomic Laboratory Hub, NHS Genomic Medicine Service
Classification: Uncertain significance for Intellectual disability. Last evaluated: 2020-03-04. Review status: criteria provided, single submitter. Criteria: ACGS Best Practice Guidelines for Variant Classification in Rare Disease 2020. Collection method: clinical testing. Allele origin: germline. Affected: yes. Observed: 1 variant allele.